The following is an entry in ClinVar:

ClinVar aggregate classification (germline): Likely pathogenic. Review status: reviewed by expert panel (3 of 4 stars). 6 submissions from 6 submitters: Likely pathogenic (1). 5 of the submissions do not count toward it. Last evaluated 2025-10-07.

Conditions:
von Willebrand disease type 2 (VWD2). Also called: VWD, TYPE 2; VON WILLEBRAND DISEASE, TYPE 2A/IIE; VON WILLEBRAND DISEASE, TYPE 2CB; VON WILLEBRAND DISEASE, TYPE II. Identifiers: Orphanet 166081, Orphanet 903, MedGen C1264040, MONDO:0013304, OMIM 613554.
von Willebrand disease type 1 (VWD1). Also called: VWD, TYPE 1; VON WILLEBRAND DISEASE, TYPE I. Identifiers: Orphanet 166078, Orphanet 903, MedGen C1264039, MONDO:0008668, OMIM 193400. Inheritance: autosomal recessive or autosomal dominant.
Von Willebrand disease type 2B. Identifiers: Orphanet 166087, MedGen C1282971, MONDO:0015629.

Allele frequency attached by ClinVar (database versions not stated): TOPMed below 0.00001; ExAC 0.00001.
gnomAD v4.1: 8 of 1,613,930 alleles (0.0005%); highest among the groups gnomAD compares: South Asian, 0.0011%; no homozygotes.

Submissions (6):

ClinGen von Willebrand Disease Variant Curation Expert Panel, ClinGen
Classification: Likely pathogenic for Von Willebrand disease type 2B. Last evaluated: 2025-10-07. Review status: reviewed by expert panel. Criteria: ClinGen VWD 2A B M Rules. Collection method: curation. Allele origin: germline. Inheritance: Autosomal dominant inheritance.
Comment: The NM_000552.5:c.4010C>T variant in VWF is a missense variant predicted to cause substitution of proline by leucine at amino acid 1377 (p.Pro1377Leu). At least 1 patient with this variant displayed excessive mucocutaneous bleeding as well as a laboratory phenotype of enhanced RIPA and loss of HMWM, which is specific for VWD type 2B. (PP4, PMID 1373334). This variant has been reported in 1 additional proband meeting VWD 2B PP4 laboratory phenotype of enhanced RIPA (PS4_Supporting; Gold Variant Database). The Grpmax filtering allele frequency in gnomAD v4.1 is 0.00000183 (based on 6/1179864 alleles in the European non-Finnish population), which is lower than the ClinGen VWD VCEP threshold of <0.0001 for type 2B (PM2_Supporting). Platelet binding assay performed with the p.Pro1377Leu recombinant mutant vWF expressed by COS-7 showed increased binding at low doses of ristocetin, indicating that this variant has a gain of function effect on the protein (PMID 1373334)(PS3_supporting). In summary, this variant meets the criteria to be classified as likely pathogenic for autosomal dominant von Willebrand disease type 2B based on the ACMG/AMP criteria applied, as specified by the ClinGen VWD VCEP: PP4, PS4_Supporting, PM2_Supporting, PS3 (ClinGen von Willebrand Disease Expert Panel Specifications to the ACMG/AMP Variant Interpretation Guidelines for VWF Version 1.0.0)

ARUP Laboratories, Molecular Genetics and Genomics, ARUP Laboratories
Classification: Likely pathogenic. Last evaluated: 2025-06-05. Review status: criteria provided, single submitter. Criteria: ARUP Molecular Germline Variant Investigation Process 2024. Collection method: clinical testing. Allele origin: germline. Not counted in ClinVar's aggregate classification.
Comment: The VWF c.4010C>T; p.Pro1337Leu variant (rs61749400, ClinVar Variation ID: 100314), also known as Pro574Leu in the mature protein, is reported in the literature in several individuals affected with von Willebrand disease type 2B and has been reported to segregate with disease (Baronciani 2007, Kroner 1992, Penel-Page 2017, Veyradier 2016). In vitro functional analyses demonstrate normal multimer patterns and increased platelet aggregation (Baronciani 2007, Kroner 1992, Ma 2015). This variant is only observed on one allele in the Genome Aggregation Database (v2.1.1), indicating it is not a common polymorphism. Computational analyses are uncertain whether this variant is neutral or deleterious (REVEL: 0.581). Based on available information, this variant is considered to be likely pathogenic. References: Baronciani L et al. Biochemical characterization of a recombinant von Willebrand factor (VWF) with combined type 2B and type 1 defects in the VWF gene in two patients with a type 2A phenotype of von Willebrand disease. J Thromb Haemost. 2007 Feb;5(2):282-8. PMID: 17155947. Kroner PA et al. Expressed full-length von Willebrand factor containing missense mutations linked to type IIB von Willebrand disease shows enhanced binding to platelets. Blood. 1992 Apr 15;79(8):2048-55. PMID: 1373334. Ma Z et al. The co-influence of VWD type 2B/2M mutations in the A1 domain and platelet GPIba on the rate of cleavage to VWF by ADAMTS13. Thromb Res. 2015 Nov;136(5):987-95. PMID: 26345337. Penel-Page M et al. Differential diagnosis of neonatal alloimmune thrombocytopenia: Type 2B von Willebrand disease. Platelets. 2017 Dec;28(8):825-828. PMID: 28436749. Veyradier A et al. A Laboratory Phenotype/Genotype Correlation of 1167 French Patients From 670 Families With von Willebrand Disease: A New Epidemiologic Picture. Medicine (Baltimore). 2016 Mar;95(11):e3038. PMID: 26986123.

Quest Diagnostics Nichols Institute San Juan Capistrano
Classification: Pathogenic. Last evaluated: 2023-02-06. Review status: criteria provided, single submitter. Criteria: Quest Diagnostics criteria. Collection method: clinical testing. Allele origin: unknown. Not counted in ClinVar's aggregate classification.
Comment: The frequency of this variant in the general population, 0.000004 (1/250414 chromosomes), is uninformative in assessment of its pathogenicity. In the published literature, the variant has been reported in individuals with vWD Type 2B (PMIDs: 1373334 (1992), 9723578 (1998), 17155947 (2007), 26345337 (2015), 28436749 (2017), and 28971901 (2017)) and in individuals with unspecified vWD Type 2 (PMIDs: 17155947 (2007) and 33556167 (2021)). Family studies show that this variant segregates with vWD Type 2 or 2B (PMIDs: 1373334 (1992) and 17155947 (2007)). Inconclusive functional studies for this variant show enhanced ristocetin-induced platelet aggregation, normal or reduced ratios of ristocetin cofactor to vWF antigen, reduced collagen binding to vWF antigen ratio, and normal or reduced high molecular weight multimers (PMIDs: 17155947 (2007), 25185554 (2014), and 26345337 (2015)). Analysis of this variant using bioinformatics tools for the prediction of the effect of amino acid changes on protein structure and function yielded predictions that this variant is damaging. Based on the available information, this variant is classified as pathogenic.

ISTH-SSC Genomics in Thrombosis and Hemostasis, KU Leuven, Center for Molecular and Vascular Biology
Classification: Likely pathogenic for von Willebrand disease type 1. Review status: criteria provided, single submitter. Criteria: ACMG Guidelines, 2015. Collection method: clinical testing. Allele origin: unknown. Affected: yes. Not counted in ClinVar's aggregate classification.
Comment: Submitted to GoldVariant by Kathleen Freson, Center for Molecular and Vascular Biology, Leuven, Belgium

Angelo Bianchi Bonomi Hemophilia and Thrombosis Center, Fondazione IRCCS Ca Granda Ospedale Maggiore Policlinico
Classification: Uncertain significance for von Willebrand disease type 2. Last evaluated: 2022-04-26. Review status: no assertion criteria provided. Collection method: clinical testing. Allele origin: germline. Affected: yes. Not counted in ClinVar's aggregate classification.

Academic Unit of Haematology, University of Sheffield
No classification provided. Review status: no classification provided. Collection method: not provided. Allele origin: not provided. Not counted in ClinVar's aggregate classification.

Literature cited by the submitters: PubMed 17155947 (cited by Quest Diagnostics Nichols Institute San Juan Capistrano); PubMed 26345337 (cited by Quest Diagnostics Nichols Institute San Juan Capistrano); PubMed 28436749 (cited by Quest Diagnostics Nichols Institute San Juan Capistrano); PubMed 33556167 (cited by Quest Diagnostics Nichols Institute San Juan Capistrano); PubMed 25185554 (cited by Quest Diagnostics Nichols Institute San Juan Capistrano); PubMed 1373334 (cited by Quest Diagnostics Nichols Institute San Juan Capistrano); PubMed 9723578 (cited by Quest Diagnostics Nichols Institute San Juan Capistrano); PubMed 28971901 (cited by Quest Diagnostics Nichols Institute San Juan Capistrano); PubMed 34355501 (cited by ISTH-SSC Genomics in Thrombosis and Hemostasis, KU Leuven, Center for Molecular and Vascular Biology).

NM_000552.5(VWF):c.4010C>T (p.Pro1337Leu)

Gene: VWF (von Willebrand factor; minus strand). Cytogenetic location: 12p13.31.
Variant type: single nucleotide variant.
Coding change: c.4010C>T on transcript NM_000552.5 (MANE Select); coding-DNA position 4010, C replaced by T.
Protein change: p.Pro1337Leu; replaces proline 1337 with leucine.
Molecular consequence: missense variant.
Genome position (GRCh38, 1-based): chr12:6,019,408, G>A on the plus strand (C>T on the coding strand, the complement: VWF is on the minus strand). VCF-style: chr12-6019408-G-A. GRCh37 (hg19) VCF-style: chr12-6128574-G-A.
Other names: NM_000552.5(VWF):c.4010C>T; p.Pro1337Leu; short protein forms P1337L.
Identifiers: ClinVar variation 100314 (VCV000100314.5), dbSNP rs61749400, ClinGen allele CA228510.